The following is an entry in ClinVar:

ClinVar aggregate classification (germline): Uncertain significance (1 of 4 stars; one submission).

Allele frequency attached by ClinVar (database versions not stated): gnomAD exomes below 0.00001.
gnomAD v4.1: 2 of 1,613,278 alleles (0.00012%); highest among the groups gnomAD compares: East Asian, 0.0045%; no homozygotes.

Submission:

Labcorp Genetics (formerly Invitae), Labcorp
Classification: Uncertain significance. Last evaluated: 2022-02-25. Review status: criteria provided, single submitter. Criteria: Invitae Variant Classification Sherloc (09022015). Collection method: clinical testing. Allele origin: germline.
Comment: In summary, the available evidence is currently insufficient to determine the role of this variant in disease. Therefore, it has been classified as a Variant of Uncertain Significance. Algorithms developed to predict the effect of missense changes on protein structure and function are either unavailable or do not agree on the potential impact of this missense change (SIFT: "Deleterious"; PolyPhen-2: "Probably Damaging"; Align-GVGD: "Class C0"). ClinVar contains an entry for this variant (Variation ID: 1006642). This variant has not been reported in the literature in individuals affected with CACNA2D4-related conditions. This variant is present in population databases (no rsID available, gnomAD 0.006%). This sequence change replaces threonine, which is neutral and polar, with isoleucine, which is neutral and non-polar, at codon 644 of the CACNA2D4 protein (p.Thr644Ile).

NM_172364.5(CACNA2D4):c.1931C>T (p.Thr644Ile)

Gene: CACNA2D4 (calcium voltage-gated channel auxiliary subunit alpha2delta 4; minus strand). Cytogenetic location: 12p13.33.
Variant type: single nucleotide variant.
Coding change: c.1931C>T on transcript NM_172364.5 (MANE Select); coding-DNA position 1931, C replaced by T.
Protein change: p.Thr644Ile; replaces threonine 644 with isoleucine.
Molecular consequence: missense variant.
Genome position (GRCh38, 1-based): chr12:1,860,154, G>A on the plus strand (C>T on the coding strand, the complement: CACNA2D4 is on the minus strand). VCF-style: chr12-1860154-G-A. GRCh37 (hg19) VCF-style: chr12-1969320-G-A.
Other names: short protein forms T644I.
Identifiers: ClinVar variation 1006642 (VCV001006642.8), dbSNP rs1417203572, ClinGen allele CA383350196.
Genomic context (GRCh38, chr12:1,860,154, plus strand): 5'-GGTATTCATGTTCAACCCTCACCCCGTGCAAATAAAGCCTGTGTCCCTCACCTGAAAGGG[G>A]TGTCGCTGATGTCCGTGAAGAAGTAGTCATTGGTCAGGAAAAGAACTCGCTTCTGAAAGA-3'
Protein context (NP_758952.4, residues 634-654): NDYFFTDISD[Thr644Ile]PFSLGVVLSR